The following is an entry in ClinVar:

ClinVar aggregate classification (germline): Benign/Likely benign. Review status: criteria provided, multiple submitters, no conflicts (2 of 4 stars). 2 submissions from 2 submitters: Benign (1); Likely benign (1). Last evaluated 2025-03-22.

Conditions:
Hereditary cancer-predisposing syndrome. Also called: Tumor predisposition; Neoplastic Syndromes, Hereditary; Hereditary neoplastic syndrome; Hereditary Cancer Syndrome. Identifiers: Orphanet 140162, MedGen C0027672, MeSH D009386, MONDO:0015356.
Pheochromocytoma/paraganglioma syndrome 4. Also called: CAROTID BODY TUMORS AND MULTIPLE EXTRAADRENAL PHEOCHROMOCYTOMAS; PARAGANGLIOMA, FAMILIAL MALIGNANT; PARAGANGLIOMAS, HEREDITARY EXTRAADRENAL; PHEOCHROMOCYTOMA, FAMILIAL EXTRAADRENAL; Paragangliomas 4; SDHB-Related Hereditary Paraganglioma-Pheochromocytoma Syndrome (Paragangliomas 4). Identifiers: Orphanet 29072, MedGen C1861848, MONDO:0007273, OMIM 115310.

Submissions (2):

Ambry Genetics
Classification: Likely benign for Hereditary cancer-predisposing syndrome. Last evaluated: 2025-03-22. Review status: criteria provided, single submitter. Criteria: Ambry Variant Classification Scheme 2023. Collection method: clinical testing. Allele origin: germline.

Myriad Genetics, Inc.
Classification: Benign for Pheochromocytoma/paraganglioma syndrome 4. Last evaluated: 2025-03-13. Review status: criteria provided, single submitter. Criteria: Myriad Autosomal Dominant, Autosomal Recessive and X-Linked Classification Criteria (2023). Collection method: clinical testing. Allele origin: unknown.
Comment: This variant is considered benign. This variant is a silent/synonymous amino acid change and it is not expected to impact splicing.

NM_003000.3(SDHB):c.651C>T (p.Arg217=)

Gene: SDHB (succinate dehydrogenase complex iron sulfur subunit B; minus strand). Cytogenetic location: 1p36.13.
Variant type: single nucleotide variant.
Coding change: c.651C>T on transcript NM_003000.3 (MANE Select); coding-DNA position 651, C replaced by T.
Protein change: p.Arg217=; no amino-acid change (arginine 217 retained).
Molecular consequence: synonymous variant.
Genome position (GRCh38, 1-based): chr1:17,022,722, G>A on the plus strand (C>T on the coding strand, the complement: SDHB is on the minus strand). VCF-style: chr1-17022722-G-A. GRCh37 (hg19) VCF-style: chr1-17349217-G-A.
Other names: c.597C>T, p.Arg199= (NM_001407361.1).
Identifiers: ClinVar variation 3904634 (VCV003904634.2).